The following is an entry in ClinVar:

ClinVar aggregate classification (germline): Pathogenic. Review status: criteria provided, multiple submitters, no conflicts (2 of 4 stars). 2 submissions from 2 submitters: Pathogenic (2). Last evaluated 2024-12-04.

Conditions:
Hereditary breast ovarian cancer syndrome. Also called: Hereditary breast and ovarian cancer syndrome (HBOC); Hereditary breast and ovarian cancer syndrome; Breast and ovarian cancer; Hereditary breast and/or ovarian cancer syndrome; Hereditary breast and ovarian cancer; BRCA1- and BRCA2-Associated Hereditary Breast and Ovarian Cancer. Identifiers: Orphanet 145, MedGen C0677776, MeSH D061325, MONDO:0003582. Disease mechanism: loss of function.
Hereditary cancer-predisposing syndrome. Also called: Neoplastic Syndromes, Hereditary; Hereditary Cancer Syndrome; Hereditary neoplastic syndrome; Tumor predisposition. Identifiers: Orphanet 140162, MedGen C0027672, MeSH D009386, MONDO:0015356.

Submissions (2):

Labcorp Genetics (formerly Invitae), Labcorp
Classification: Pathogenic for Hereditary breast ovarian cancer syndrome. Last evaluated: 2024-12-04. Review status: criteria provided, single submitter. Criteria: Invitae Variant Classification Sherloc (09022015). Collection method: clinical testing. Allele origin: germline.
Comment: This sequence change creates a premature translational stop signal (p.Glu1540Glyfs*34) in the BRCA1 gene. It is expected to result in an absent or disrupted protein product. Loss-of-function variants in BRCA1 are known to be pathogenic (PMID: 20104584). This variant is not present in population databases (gnomAD no frequency). This variant has not been reported in the literature in individuals affected with BRCA1-related conditions. ClinVar contains an entry for this variant (Variation ID: 462654). For these reasons, this variant has been classified as Pathogenic.

Ambry Genetics
Classification: Pathogenic for Hereditary cancer-predisposing syndrome. Last evaluated: 2023-05-18. Review status: criteria provided, single submitter. Criteria: Ambry Variant Classification Scheme 2023. Collection method: clinical testing. Allele origin: germline.
Comment: The c.4616dupT pathogenic mutation, located in coding exon 13 of the BRCA1 gene, results from a duplication of T at nucleotide position 4616, causing a translational frameshift with a predicted alternate stop codon (p.E1540Gfs*34). This variant is considered to be rare based on population cohorts in the Genome Aggregation Database (gnomAD). This alteration is expected to result in loss of function by premature protein truncation or nonsense-mediated mRNA decay. As such, this alteration is interpreted as a disease-causing mutation.

Literature cited by the submitters: PubMed 20104584 (cited by Labcorp Genetics (formerly Invitae), Labcorp).

NM_007294.4(BRCA1):c.4616dup (p.Glu1540fs)

Gene: BRCA1 (BRCA1 DNA repair associated; minus strand). Cytogenetic location: 17q21.31.
Variant type: Duplication.
Coding change: c.4616dup on transcript NM_007294.4 (MANE Select); coding-DNA position 4616, one base duplicated (T; older notation c.4616dupT).
Protein change: p.Glu1540fs; shifts the reading frame from glutamic acid 1540.
Molecular consequence: frameshift variant. On other transcripts: non-coding transcript variant (1).
Genome position (GRCh38, 1-based): chr17:43,074,390, A duplicated on the plus strand (T on the coding strand, the reverse complement: BRCA1 is on the minus strand). VCF-style (leftmost placement, unchanged base first): chr17-43074389-C-CA. GRCh37 (hg19) VCF-style: chr17-41226406-C-CA.
Other names: c.4490dup, p.Glu1498Glyfs (NM_001407678.1, NM_001407679.1, NM_001407680.1 and 11 more transcripts); c.1307dup, p.Glu437Glyfs (NM_001407977.1, NM_001407978.1, NM_001407973.1 and 3 more transcripts); c.1304dup, p.Glu436Glyfs (NM_001407981.1, NM_001407984.1, NM_001407979.1 and 12 more transcripts); c.4487dup, p.Glu1497Glyfs (NM_001407682.1, NM_001407681.1, NM_001407683.1 and 6 more transcripts); c.4616dup, p.Glu1540Glyfs (NM_001407684.1, NM_001407593.1, NM_001407594.1 and 8 more transcripts); c.4616dupT (NM_007294.3); c.4403dup, p.Glu1469Glyfs (NM_001407571.1, NM_001407894.1, NM_001407895.1 and 12 more transcripts); c.4682dup, p.Glu1562Glyfs (NM_001407581.1, NM_001407582.1); and 72 more; short protein forms E1540fs, E436fs, E1561fs, E1493fs.
Identifiers: ClinVar variation 462654 (VCV000462654.13), dbSNP rs1555581874, ClinGen allele CA658656631.